The following is an entry in ClinVar:

NM_198859.4(PRICKLE2):c.708G>C (p.Met236Ile)

Gene: PRICKLE2 (prickle planar cell polarity protein 2; minus strand). Cytogenetic location: 3p14.1.
Variant type: single nucleotide variant.
Coding change: c.708G>C on transcript NM_198859.4 (MANE Select); coding-DNA position 708, G replaced by C.
Protein change: p.Met236Ile; replaces methionine 236 with isoleucine.
Molecular consequence: missense variant.
Genome position (GRCh38, 1-based): chr3:64,153,261, C>G on the plus strand (G>C on the coding strand, the complement: PRICKLE2 is on the minus strand). VCF-style: chr3-64153261-C-G. GRCh37 (hg19) VCF-style: chr3-64138937-C-G.
Other names: c.708G>C, p.Met236Ile (NM_001370528.1); short protein forms M236I.
Identifiers: ClinVar variation 962628 (VCV000962628.7), dbSNP rs2077575497, ClinGen allele CA353433848.

ClinVar aggregate classification (germline): Uncertain significance (1 of 4 stars; one submission).

Conditions:
Progressive myoclonic epilepsy type 5. Identifiers: Orphanet 402082, MedGen C5190799.

Submission:

Labcorp Genetics (formerly Invitae), Labcorp
Classification: Uncertain significance for Progressive myoclonic epilepsy type 5. Last evaluated: 2022-09-01. Review status: criteria provided, single submitter. Criteria: Invitae Variant Classification Sherloc (09022015). Collection method: clinical testing. Allele origin: germline.
Comment: In summary, the available evidence is currently insufficient to determine the role of this variant in disease. Therefore, it has been classified as a Variant of Uncertain Significance. Algorithms developed to predict the effect of missense changes on protein structure and function are either unavailable or do not agree on the potential impact of this missense change (SIFT: "Deleterious"; PolyPhen-2: "Possibly Damaging"; Align-GVGD: "Class C0"). ClinVar contains an entry for this variant (Variation ID: 962628). This variant has not been reported in the literature in individuals affected with PRICKLE2-related conditions. This variant is not present in population databases (gnomAD no frequency). This sequence change replaces methionine, which is neutral and non-polar, with isoleucine, which is neutral and non-polar, at codon 236 of the PRICKLE2 protein (p.Met236Ile).